The following is an entry in ClinVar:

ClinVar aggregate classification (germline): Benign (1 of 4 stars; one submission).

Conditions:
Polycystic liver disease 2 (PCLD2). Also called: Polycystic liver disease 2 with or without kidney cysts. Identifiers: Orphanet 2924, MedGen C4310769, MONDO:0014860, OMIM 617004.

Allele frequency attached by ClinVar (database versions not stated): gnomAD exomes 1.00000; 1000 Genomes Project 0.92951; 1000 Genomes Project 30x 0.93364; TOPMed 0.96315; gnomAD 0.96196 and 0.96448.
gnomAD v4.1: 146,368 of 152,152 alleles (96%); highest among the groups gnomAD compares: Middle Eastern, 99%; 70,546 homozygotes.

Submission:

Illumina Laboratory Services, Illumina
Classification: Benign for Polycystic liver disease 2. Last evaluated: 2018-01-12. Review status: criteria provided, single submitter. Criteria: ICSL Variant Classification Criteria 13 December 2019. Collection method: clinical testing. Allele origin: germline.
Comment: This variant was observed in the ICSL laboratory as part of a predisposition screen in an ostensibly healthy population. It had not been previously curated by ICSL or reported in the Human Gene Mutation Database (HGMD: prior to June 1st, 2018), and was therefore a candidate for classification through an automated scoring system. Utilizing variant allele frequency, disease prevalence and penetrance estimates, and inheritance mode, an automated score was calculated to assess if this variant is too frequent to cause the disease. Based on the score and internal cut-off values, a variant classified as benign is not then subjected to further curation. The score for this variant resulted in a classification of benign for this disease.

NM_007214.5(SEC63):c.*3580G>A

Gene: SEC63 (SEC63 homolog, protein translocation regulator; minus strand). Cytogenetic location: 6q21.
Variant type: single nucleotide variant.
Coding change: c.*3580G>A on transcript NM_007214.5 (MANE Select); 3580 bases downstream of the stop codon, G replaced by A.
Molecular consequence: 3 prime UTR variant.
Genome position (GRCh38, 1-based): chr6:107,868,124, C>T on the plus strand (G>A on the coding strand, the complement: SEC63 is on the minus strand). VCF-style: chr6-107868124-C-T. GRCh37 (hg19) VCF-style: chr6-108189328-C-T.
Identifiers: ClinVar variation 354812 (VCV000354812.5), dbSNP rs847120, ClinGen allele CA10621126.